The following is an entry in ClinVar:

ClinVar aggregate classification (germline): Uncertain significance. Review status: criteria provided, multiple submitters, no conflicts (2 of 4 stars). 2 submissions from 2 submitters: Uncertain significance (2). Last evaluated 2024-05-21.

Conditions:
Cardiovascular phenotype. Identifiers: MedGen CN230736.
Hypercholesterolemia, familial, 1. Also called: LDL RECEPTOR DISORDER; Hyperlipoproteinemia Type IIa; HYPER-LOW-DENSITY-LIPOPROTEINEMIA; HYPERCHOLESTEROLEMIC XANTHOMATOSIS, FAMILIAL; Fredrickson type IIa hyperlipoproteinemia; Hyperlipoproteinemia type 2. Identifiers: Orphanet 391665, MedGen C0745103, MONDO:0007750, OMIM 143890.

Allele frequency attached by ClinVar (database versions not stated): gnomAD 0.00001; TOPMed 0.00001.

Submissions (2):

Ambry Genetics
Classification: Uncertain significance for Cardiovascular phenotype. Last evaluated: 2024-05-21. Review status: criteria provided, single submitter. Criteria: Ambry Variant Classification Scheme 2023. Collection method: clinical testing. Allele origin: germline.
Comment: The p.S3528F variant (also known as c.10583C>T), located in coding exon 26 of the APOB gene, results from a C to T substitution at nucleotide position 10583. The serine at codon 3528 is replaced by phenylalanine, an amino acid with highly dissimilar properties. This amino acid position is conserved. In addition, the in silico prediction for this alteration is inconclusive. Since supporting evidence is limited at this time, the clinical significance of this alteration remains unclear.

Laboratory of Genetics and Molecular Cardiology, University of São Paulo
Classification: Uncertain significance for Familial hypercholesterolemia. Last evaluated: 2016-03-01. Review status: criteria provided, single submitter. Criteria: ACMG Guidelines, 2015. Collection method: research. Allele origin: germline. Study: HipercolBrasil.

NM_000384.3(APOB):c.10583C>T (p.Ser3528Phe)

Gene: APOB (apolipoprotein B; minus strand). Cytogenetic location: 2p24.1.
Variant type: single nucleotide variant.
Coding change: c.10583C>T on transcript NM_000384.3 (MANE Select); coding-DNA position 10583, C replaced by T.
Protein change: p.Ser3528Phe; replaces serine 3528 with phenylalanine.
Molecular consequence: missense variant.
Genome position (GRCh38, 1-based): chr2:21,006,285, G>A on the plus strand (C>T on the coding strand, the complement: APOB is on the minus strand). VCF-style: chr2-21006285-G-A. GRCh37 (hg19) VCF-style: chr2-21229157-G-A.
Other names: short protein forms S3528F.
Identifiers: ClinVar variation 431501 (VCV000431501.4), dbSNP rs971051696, ClinGen allele CA43495421.